The following is an entry in ClinVar:

NM_001033044.4(GLUL):c.*1276C>T

Gene: GLUL (glutamate-ammonia ligase; minus strand). Cytogenetic location: 1q25.3.
Variant type: single nucleotide variant.
Coding change: c.*1276C>T on transcript NM_001033044.4 (MANE Select); 1276 bases downstream of the stop codon, C replaced by T.
Molecular consequence: 3 prime UTR variant.
Genome position (GRCh38, 1-based): chr1:182,383,129, G>A on the plus strand (C>T on the coding strand, the complement: GLUL is on the minus strand). VCF-style: chr1-182383129-G-A. GRCh37 (hg19) VCF-style: chr1-182352264-G-A.
Other names: c.*1276C>T (NM_001033056.4, NM_002065.7).
Identifiers: ClinVar variation 293917 (VCV000293917.5), dbSNP rs143904819, ClinGen allele CA10608359.
Genomic context (GRCh38, chr1:182,383,129, plus strand): 5'-TGAAGGAATAAAGGTGGGGTTTATTCCTTATTATAAAAGAAAAAAAATAATTCTTCAGCA[G>A]TCTTAACAAAGACATCAAGATACAAAATTACAAGTGTTTTGACTCCAGCCCTGTCCCCAT-3'

ClinVar aggregate classification (germline): Benign (1 of 4 stars; one submission).

Conditions:
Congenital brain dysgenesis due to glutamine synthetase deficiency (GLND). Also called: GLUTAMINE SYNTHASE DEFICIENCY, CONGENITAL SYSTEMIC. Identifiers: Orphanet 71278, MedGen C1864910, MONDO:0012393, OMIM 610015.

Allele frequency attached by ClinVar (database versions not stated): gnomAD 0.00400 and 0.00373; 1000 Genomes Project 30x 0.00453; TOPMed 0.00454; 1000 Genomes Project 0.00519.

Submission:

Illumina Laboratory Services, Illumina
Classification: Benign for Congenital brain dysgenesis due to glutamine synthetase deficiency. Last evaluated: 2018-01-13. Review status: criteria provided, single submitter. Criteria: ICSL Variant Classification Criteria 13 December 2019. Collection method: clinical testing. Allele origin: germline.
Comment: This variant was observed in the ICSL laboratory as part of a predisposition screen in an ostensibly healthy population. It had not been previously curated by ICSL or reported in the Human Gene Mutation Database (HGMD: prior to June 1st, 2018), and was therefore a candidate for classification through an automated scoring system. Utilizing variant allele frequency, disease prevalence and penetrance estimates, and inheritance mode, an automated score was calculated to assess if this variant is too frequent to cause the disease. Based on the score and internal cut-off values, a variant classified as benign is not then subjected to further curation. The score for this variant resulted in a classification of benign for this disease.